The following is an entry in ClinVar:

NM_014252.4(SLC25A15):c.175G>A (p.Gly59Ser)

Gene: SLC25A15 (solute carrier family 25 member 15; plus strand). Cytogenetic location: 13q14.11.
Variant type: single nucleotide variant.
Coding change: c.175G>A on transcript NM_014252.4 (MANE Select); coding-DNA position 175, G replaced by A.
Protein change: p.Gly59Ser; replaces glycine 59 with serine.
Molecular consequence: missense variant. On other transcripts: non-coding transcript variant (2).
Genome position (GRCh38, 1-based): chr13:40,799,176, G>A. VCF-style: chr13-40799176-G-A. GRCh37 (hg19) VCF-style: chr13-41373312-G-A.
Other names: short protein forms G59S.
Identifiers: ClinVar variation 1437492 (VCV001437492.6), dbSNP rs1206371362, ClinGen allele CA387916862.

ClinVar aggregate classification (germline): Uncertain significance (1 of 4 stars; one submission).

Conditions:
Hyperornithinemia-hyperammonemia-homocitrullinuria syndrome (HHHS). Also called: HHH SYNDROME; Ornithine translocase deficiency. Identifiers: Orphanet 415, MedGen C0268540, MONDO:0009393, OMIM 238970.

Allele frequency attached by ClinVar (database versions not stated): gnomAD 0.00001; TOPMed 0.00001.
gnomAD v4.1: 1 of 1,614,054 alleles (0.000062%); highest among the groups gnomAD compares: African/African-American, 0.0013%; no homozygotes.

Submission:

Labcorp Genetics (formerly Invitae), Labcorp
Classification: Uncertain significance for Hyperornithinemia-hyperammonemia-homocitrullinuria syndrome. Last evaluated: 2021-11-17. Review status: criteria provided, single submitter. Criteria: Invitae Variant Classification Sherloc (09022015). Collection method: clinical testing. Allele origin: germline.
Comment: This sequence change replaces glycine, which is neutral and non-polar, with serine, which is neutral and polar, at codon 59 of the SLC25A15 protein (p.Gly59Ser). This variant is not present in population databases (gnomAD no frequency). This variant has not been reported in the literature in individuals affected with SLC25A15-related conditions. In summary, the available evidence is currently insufficient to determine the role of this variant in disease. Therefore, it has been classified as a Variant of Uncertain Significance. Algorithms developed to predict the effect of missense changes on protein structure and function are either unavailable or do not agree on the potential impact of this missense change (SIFT: "Deleterious"; PolyPhen-2: "Probably Damaging"; Align-GVGD: "Class C0").